The following is an entry in ClinVar:

ClinVar aggregate classification (germline): Pathogenic (1 of 4 stars; one submission).

Conditions:
Glycogen storage disease type III (GSD3). Also called: Cori disease; FORBES DISEASE. Identifiers: Orphanet 366, MedGen C0017922, MONDO:0009291, OMIM 232400.

Submission:

Labcorp Genetics (formerly Invitae), Labcorp
Classification: Pathogenic for Glycogen storage disease type III. Last evaluated: 2023-07-14. Review status: criteria provided, single submitter. Criteria: Invitae Variant Classification Sherloc (09022015). Collection method: clinical testing. Allele origin: germline.
Comment: Variants that disrupt the consensus splice site are a relatively common cause of aberrant splicing (PMID: 17576681, 9536098). Algorithms developed to predict the effect of sequence changes on RNA splicing suggest that this variant may disrupt the consensus splice site. ClinVar contains an entry for this variant (Variation ID: 526568). This variant has been observed in individual(s) with glycogen storage disease III (PMID: 26984562; Invitae). In at least one individual the data is consistent with being in trans (on the opposite chromosome) from a pathogenic variant. This variant is not present in population databases (gnomAD no frequency). This sequence change falls in intron 15 of the AGL gene. It does not directly change the encoded amino acid sequence of the AGL protein. It affects a nucleotide within the consensus splice site. For these reasons, this variant has been classified as Pathogenic.

Literature cited by the submitters: PubMed 17576681; PubMed 9536098; PubMed 26984562.

NM_000642.3(AGL):c.2001+5G>A

Gene: AGL (amylo-alpha-1,6-glucosidase and 4-alpha-glucanotransferase; plus strand). Cytogenetic location: 1p21.2.
Variant type: single nucleotide variant.
Coding change: c.2001+5G>A on transcript NM_000642.3 (MANE Select); 5 bases into the intron after coding-DNA position 2001, G replaced by A.
Molecular consequence: intron variant.
Genome position (GRCh38, 1-based): chr1:99,881,182, G>A. VCF-style: chr1-99881182-G-A. GRCh37 (hg19) VCF-style: chr1-100346738-G-A.
Other names: c.2001+5G>A (NM_000643.3, NM_000644.3, NM_001425326.1 and 2 more transcripts); c.1953+5G>A (NM_000646.3); c.1800+5G>A (NM_001425327.1); c.1797+5G>A (NM_001425328.1, NM_001425329.1); c.1623+5G>A (NM_001425332.1).
Identifiers: ClinVar variation 526568 (VCV000526568.11), dbSNP rs1553186489, ClinGen allele CA658795486.